The following is an entry in ClinVar:

NM_005612.5(REST):c.352G>A (p.Val118Ile)

Gene: REST (RE1 silencing transcription factor; plus strand). Cytogenetic location: 4q12.
Variant type: single nucleotide variant.
Coding change: c.352G>A on transcript NM_005612.5 (MANE Select); coding-DNA position 352, G replaced by A.
Protein change: p.Val118Ile; replaces valine 118 with isoleucine.
Molecular consequence: missense variant.
Genome position (GRCh38, 1-based): chr4:56,910,990, G>A. VCF-style: chr4-56910990-G-A. GRCh37 (hg19) VCF-style: chr4-57777156-G-A.
Other names: c.352G>A, p.Val118Ile (NM_001193508.2, NM_001363453.3); short protein forms V118I.
Identifiers: ClinVar variation 1399158 (VCV001399158.6), dbSNP rs940245420, ClinGen allele CA97629509.

ClinVar aggregate classification (germline): Uncertain significance (1 of 4 stars; one submission).

Allele frequency attached by ClinVar (database versions not stated): gnomAD exomes below 0.00001 and 0.00001; TOPMed below 0.00001; gnomAD 0.00001.
gnomAD v4.1: 23 of 1,614,054 alleles (0.0014%); highest among the groups gnomAD compares: Non-Finnish European, 0.0016%; no homozygotes.

Submission:

Labcorp Genetics (formerly Invitae), Labcorp
Classification: Uncertain significance. Last evaluated: 2022-10-11. Review status: criteria provided, single submitter. Criteria: Invitae Variant Classification Sherloc (09022015). Collection method: clinical testing. Allele origin: germline.
Comment: This sequence change replaces valine, which is neutral and non-polar, with isoleucine, which is neutral and non-polar, at codon 118 of the REST protein (p.Val118Ile). This variant is present in population databases (no rsID available, gnomAD 0.0009%). This variant has not been reported in the literature in individuals affected with REST-related conditions. ClinVar contains an entry for this variant (Variation ID: 1399158). Algorithms developed to predict the effect of missense changes on protein structure and function (SIFT, PolyPhen-2, Align-GVGD) all suggest that this variant is likely to be tolerated. In summary, the available evidence is currently insufficient to determine the role of this variant in disease. Therefore, it has been classified as a Variant of Uncertain Significance.